The following is an entry in ClinVar:

ClinVar aggregate classification (germline): Uncertain significance. Review status: criteria provided, multiple submitters, no conflicts (2 of 4 stars). 2 submissions from 2 submitters: Uncertain significance (2). Last evaluated 2024-05-13.

Allele frequency attached by ClinVar (database versions not stated): gnomAD exomes below 0.00001; gnomAD 0.00001; TOPMed 0.00001.
gnomAD v4.1: 8 of 1,614,032 alleles (0.0005%); highest among the groups gnomAD compares: African/African-American, 0.0013%; no homozygotes.

Submissions (2):

Labcorp Genetics (formerly Invitae), Labcorp
Classification: Uncertain significance. Last evaluated: 2024-05-13. Review status: criteria provided, single submitter. Criteria: Invitae Variant Classification Sherloc (09022015). Collection method: clinical testing. Allele origin: germline.
Comment: This sequence change replaces alanine, which is neutral and non-polar, with threonine, which is neutral and polar, at codon 635 of the NUP133 protein (p.Ala635Thr). This variant is present in population databases (no rsID available, gnomAD 0.01%). This variant has not been reported in the literature in individuals affected with NUP133-related conditions. Algorithms developed to predict the effect of missense changes on protein structure and function output the following: SIFT: "Not Available"; PolyPhen-2: "Probably Damaging"; Align-GVGD: "Not Available". The threonine amino acid residue is found in multiple mammalian species, which suggests that this missense change does not adversely affect protein function. In summary, the available evidence is currently insufficient to determine the role of this variant in disease. Therefore, it has been classified as a Variant of Uncertain Significance.

Ambry Genetics
Classification: Uncertain significance. Last evaluated: 2024-03-07. Review status: criteria provided, single submitter. Criteria: Ambry Variant Classification Scheme 2023. Collection method: clinical testing. Allele origin: germline.

NM_018230.3(NUP133):c.1903G>A (p.Ala635Thr)

Gene: NUP133 (nucleoporin 133; minus strand). Cytogenetic location: 1q42.13.
Variant type: single nucleotide variant.
Coding change: c.1903G>A on transcript NM_018230.3 (MANE Select); coding-DNA position 1903, G replaced by A.
Protein change: p.Ala635Thr; replaces alanine 635 with threonine.
Molecular consequence: missense variant.
Genome position (GRCh38, 1-based): chr1:229,470,753, C>T on the plus strand (G>A on the coding strand, the complement: NUP133 is on the minus strand). VCF-style: chr1-229470753-C-T. GRCh37 (hg19) VCF-style: chr1-229606500-C-T.
Other names: c.1903G>A (NM_018230.2); short protein forms A635T.
Identifiers: ClinVar variation 2794285 (VCV002794285.4), dbSNP rs1049900031, ClinGen allele CA38792775.